The following is an entry in ClinVar:

NM_003051.4(SLC16A1):c.650C>T (p.Ala217Val)

Gene: SLC16A1 (solute carrier family 16 member 1; minus strand). Cytogenetic location: 1p13.2.
Variant type: single nucleotide variant.
Coding change: c.650C>T on transcript NM_003051.4 (MANE Select); coding-DNA position 650, C replaced by T.
Protein change: p.Ala217Val; replaces alanine 217 with valine.
Molecular consequence: missense variant.
Genome position (GRCh38, 1-based): chr1:112,917,756, G>A on the plus strand (C>T on the coding strand, the complement: SLC16A1 is on the minus strand). VCF-style: chr1-112917756-G-A. GRCh37 (hg19) VCF-style: chr1-113460378-G-A.
Other names: c.650C>T, p.Ala217Val (NM_001166496.2); c.650C>T (NM_003051.3); short protein forms A217V.
Identifiers: ClinVar variation 3684404 (VCV003684404.3).

ClinVar aggregate classification (germline): Uncertain significance. Review status: criteria provided, multiple submitters, no conflicts (2 of 4 stars). 2 submissions from 2 submitters: Uncertain significance (2). Last evaluated 2025-02-18.

Conditions:
SLC16A1-related disorder. Also called: SLC16A1-related condition; SLC16A1-related disorders.

gnomAD v4.1: 1 of 1,614,080 alleles (0.000062%); highest among the groups gnomAD compares: Non-Finnish European, 0.000085%; no homozygotes.

Submissions (2):

PreventionGenetics, part of Exact Sciences
Classification: Uncertain significance for SLC16A1-related condition. Last evaluated: 2025-02-18. Review status: criteria provided, single submitter. Criteria: ACMG Guidelines, 2015. Collection method: clinical testing. Allele origin: germline.
Comment: The SLC16A1 c.650C>T variant is predicted to result in the amino acid substitution p.Ala217Val. To our knowledge, this variant has not been reported in the literature. This variant is reported in 0.0065% of alleles in individuals of European (Non-Finnish) descent in gnomAD. At this time, the clinical significance of this variant is uncertain due to the absence of conclusive functional and genetic evidence.

Labcorp Genetics (formerly Invitae), Labcorp
Classification: Uncertain significance. Last evaluated: 2024-11-03. Review status: criteria provided, single submitter. Criteria: Invitae Variant Classification Sherloc (09022015). Collection method: clinical testing. Allele origin: germline.
Comment: This sequence change replaces alanine, which is neutral and non-polar, with valine, which is neutral and non-polar, at codon 217 of the SLC16A1 protein (p.Ala217Val). This variant is present in population databases (no rsID available, gnomAD 0.007%). This variant has not been reported in the literature in individuals affected with SLC16A1-related conditions. An algorithm developed to predict the effect of missense changes on protein structure and function (PolyPhen-2) suggests that this variant is likely to be tolerated. In summary, the available evidence is currently insufficient to determine the role of this variant in disease. Therefore, it has been classified as a Variant of Uncertain Significance.